The following is an entry in ClinVar:

NM_002617.4(PEX10):c.421G>A (p.Ala141Thr)

Gene: PEX10 (peroxisomal biogenesis factor 10; minus strand). Cytogenetic location: 1p36.32.
Variant type: single nucleotide variant.
Coding change: c.421G>A on transcript NM_002617.4 (MANE Select); coding-DNA position 421, G replaced by A.
Protein change: p.Ala141Thr; replaces alanine 141 with threonine.
Molecular consequence: missense variant. On other transcripts: 5 prime UTR variant (2), non-coding transcript variant (1).
Genome position (GRCh38, 1-based): chr1:2,408,631, C>T on the plus strand (G>A on the coding strand, the complement: PEX10 is on the minus strand). VCF-style: chr1-2408631-C-T. GRCh37 (hg19) VCF-style: chr1-2340070-C-T.
Other names: c.421G>A, p.Ala141Thr (NM_001374425.1, NM_153818.2); c.-12G>A (NM_001374426.1, NM_001374427.1); short protein forms A141T.
Identifiers: ClinVar variation 1476912 (VCV001476912.3), dbSNP rs747538698, ClinGen allele CA337987970.

ClinVar aggregate classification (germline): Uncertain significance (1 of 4 stars; one submission).

Conditions:
Peroxisome biogenesis disorder, complementation group 7 (CG7). Also called: Peroxisome biogenesis disorder, complementation group B. Identifiers: MedGen C1864399.

Allele frequency attached by ClinVar (database versions not stated): gnomAD 0.00001.
gnomAD v4.1: 2 of 1,610,694 alleles (0.00012%); highest among the groups gnomAD compares: Admixed American, 0.0017%; no homozygotes.

Submission:

Labcorp Genetics (formerly Invitae), Labcorp
Classification: Uncertain significance for Peroxisome biogenesis disorder, complementation group 7. Last evaluated: 2021-09-24. Review status: criteria provided, single submitter. Criteria: Invitae Variant Classification Sherloc (09022015). Collection method: clinical testing. Allele origin: germline.
Comment: This sequence change replaces alanine with threonine at codon 141 of the PEX10 protein (p.Ala141Thr). The alanine residue is weakly conserved and there is a small physicochemical difference between alanine and threonine. This variant is not present in population databases (ExAC no frequency). This variant has not been reported in the literature in individuals affected with PEX10-related conditions. Algorithms developed to predict the effect of missense changes on protein structure and function output the following: SIFT: "Tolerated"; PolyPhen-2: "Benign"; Align-GVGD: "Class C0". The threonine amino acid residue is found in multiple mammalian species, which suggests that this missense change does not adversely affect protein function. In summary, the available evidence is currently insufficient to determine the role of this variant in disease. Therefore, it has been classified as a Variant of Uncertain Significance.